The following is an entry in ClinVar:

NM_153240.5(NPHP3):c.3028C>T (p.Gln1010Ter)

Genes: NPHP3 (nephrocystin 3; minus strand), NPHP3-ACAD11 (NPHP3-ACAD11 readthrough (NMD candidate); minus strand). Cytogenetic location: 3q22.1.
Variant type: single nucleotide variant.
Coding change: c.3028C>T on transcript NM_153240.5 (MANE Select); coding-DNA position 3028, C replaced by T.
Protein change: p.Gln1010Ter; replaces glutamine 1010 with a stop codon.
Molecular consequence: nonsense. On other transcripts: non-coding transcript variant (1).
Genome position (GRCh38, 1-based): chr3:132,688,747, G>A on the plus strand (C>T on the coding strand, the complement: NPHP3 is on the minus strand). VCF-style: chr3-132688747-G-A. GRCh37 (hg19) VCF-style: chr3-132407591-G-A.
Other names: short protein forms Q1010*.
Identifiers: ClinVar variation 3346966 (VCV003346966.2).

ClinVar aggregate classification (germline): Likely pathogenic (0 of 4 stars; one submission).

Conditions:
NPHP3-related disorder. Also called: NPHP3-related disorders; NPHP3-related condition. Identifiers: MedGen CN379163.

gnomAD v4.1: 1 of 1,614,142 alleles (0.000062%); highest among the groups gnomAD compares: East Asian, 0.0022%; no homozygotes.

Submission:

PreventionGenetics, part of Exact Sciences
Classification: Likely pathogenic for NPHP3-related condition. Last evaluated: 2024-05-06. Review status: no assertion criteria provided. Collection method: clinical testing. Allele origin: germline.
Comment: The NPHP3 c.3028C>T variant is predicted to result in premature protein termination (p.Gln1010*). To our knowledge, this variant has not been reported in the literature in an individual with disease. This variant is reported in 0.0054% of alleles in individuals of East Asian descent in gnomAD. Nonsense variants in NPHP3 are expected to be pathogenic. Given the evidence, we interpret this variant as likely pathogenic.